The following is an entry in ClinVar:

ClinVar aggregate classification (germline): Pathogenic (1 of 4 stars; one submission).

Conditions:
Sessile serrated polyposis cancer syndrome (SSPCS). Identifiers: Orphanet 157798, MedGen C4310714, MONDO:0014919, OMIM 617108.

Submission:

Myriad Genetics, Inc.
Classification: Pathogenic for Sessile serrated polyposis cancer syndrome. Last evaluated: 2025-12-15. Review status: criteria provided, single submitter. Criteria: Myriad Autosomal Dominant, Autosomal Recessive and X-Linked Classification Criteria (2023). Collection method: clinical testing. Allele origin: unknown.
Comment: This variant is considered pathogenic. This variant creates a termination codon and is predicted to result in premature protein truncation.

NM_017763.6(RNF43):c.1691G>A (p.Trp564Ter)

Gene: RNF43 (ring finger protein 43; minus strand). Cytogenetic location: 17q22.
Variant type: single nucleotide variant.
Coding change: c.1691G>A on transcript NM_017763.6 (MANE Select); coding-DNA position 1691, G replaced by A.
Protein change: p.Trp564Ter; replaces tryptophan 564 with a stop codon.
Molecular consequence: nonsense.
Genome position (GRCh38, 1-based): chr17:58,358,085, C>T on the plus strand (G>A on the coding strand, the complement: RNF43 is on the minus strand). VCF-style: chr17-58358085-C-T. GRCh37 (hg19) VCF-style: chr17-56435446-C-T.
Other names: c.1691G>A, p.Trp564Ter (NM_001305544.3, NM_001438820.1, NM_001438821.1 and 1 more transcripts); c.1310G>A, p.Trp437Ter (NM_001305545.2, NM_001437987.1); short protein forms W437*, W564*.
Identifiers: ClinVar variation 4812947 (VCV004812947.1).